The following is an entry in ClinVar:

NM_001873.4(CPE):c.1269C>T (p.Ala423=)

Gene: CPE (carboxypeptidase E; plus strand). Cytogenetic location: 4q32.3.
Variant type: single nucleotide variant.
Coding change: c.1269C>T on transcript NM_001873.4 (MANE Select); coding-DNA position 1269, C replaced by T.
Protein change: p.Ala423=; no amino-acid change (alanine 423 retained).
Molecular consequence: synonymous variant.
Genome position (GRCh38, 1-based): chr4:165,495,614, C>T. VCF-style: chr4-165495614-C-T. GRCh37 (hg19) VCF-style: chr4-166416766-C-T.
Identifiers: ClinVar variation 4977998 (VCV004977998.1).

ClinVar aggregate classification (germline): Likely benign (1 of 4 stars; one submission).

Conditions:
CPE-related disorder. Also called: CPE-related condition.

gnomAD v4.1: 2 of 1,614,004 alleles (0.00012%); highest among the groups gnomAD compares: Admixed American, 0.0017%; no homozygotes.

Submission:

PreventionGenetics, part of Exact Sciences
Classification: Likely benign for CPE-related condition. Last evaluated: 2026-08-12. Review status: criteria provided, single submitter. Criteria: ACMG Guidelines, 2015. Collection method: clinical testing. Allele origin: germline.
Comment: This variant is classified as likely benign based on ACMG/AMP sequence variant interpretation guidelines (Richards et al. 2015 PMID: 25741868, with internal and published modifications).